The following is an entry in ClinVar:

NM_177438.3(DICER1):c.227T>C (p.Leu76Pro)

Gene: DICER1 (dicer 1, ribonuclease III; minus strand). Cytogenetic location: 14q32.13.
Variant type: single nucleotide variant.
Coding change: c.227T>C on transcript NM_177438.3 (MANE Select); coding-DNA position 227, T replaced by C.
Protein change: p.Leu76Pro; replaces leucine 76 with proline.
Molecular consequence: missense variant.
Genome position (GRCh38, 1-based): chr14:95,132,595, A>G on the plus strand (T>C on the coding strand, the complement: DICER1 is on the minus strand). VCF-style: chr14-95132595-A-G. GRCh37 (hg19) VCF-style: chr14-95598932-A-G.
Other names: c.227T>C, p.Leu76Pro (NM_001195573.1, NM_001271282.3, NM_001291628.2 and 1 more transcripts); short protein forms L76P.
Identifiers: ClinVar variation 638915 (VCV000638915.11), dbSNP rs1595466279, ClinGen allele CA390889905.

ClinVar aggregate classification (germline): Uncertain significance. Review status: criteria provided, multiple submitters, no conflicts (2 of 4 stars). 2 submissions from 2 submitters: Uncertain significance (2). Last evaluated 2025-12-28.

Conditions:
DICER1-related tumor predisposition. Also called: DICER1-related pleuropulmonary blastoma cancer predisposition syndrome; DICER1 syndrome. Identifiers: Orphanet 284343, MedGen C3839822, MONDO:0100216.
Hereditary cancer-predisposing syndrome. Also called: Hereditary Cancer Syndrome; Neoplastic Syndromes, Hereditary; Tumor predisposition; Hereditary neoplastic syndrome. Identifiers: Orphanet 140162, MedGen C0027672, MeSH D009386, MONDO:0015356.

Submissions (2):

Labcorp Genetics (formerly Invitae), Labcorp
Classification: Uncertain significance for DICER1-related tumor predisposition. Last evaluated: 2025-12-28. Review status: criteria provided, single submitter. Criteria: Invitae Variant Classification Sherloc (09022015). Collection method: clinical testing. Allele origin: germline.
Comment: This sequence change replaces leucine, which is neutral and non-polar, with proline, which is neutral and non-polar, at codon 76 of the DICER1 protein (p.Leu76Pro). This variant is not present in population databases (gnomAD no frequency). This variant has not been reported in the literature in individuals affected with DICER1-related conditions. ClinVar contains an entry for this variant (Variation ID: 638915). Invitae Evidence Modeling of protein sequence and biophysical properties (such as structural, functional, and spatial information, amino acid conservation, physicochemical variation, residue mobility, and thermodynamic stability) has been performed for this missense variant. However, the output from this modeling did not meet the statistical confidence thresholds required to predict the impact of this variant on DICER1 protein function. In summary, the available evidence is currently insufficient to determine the role of this variant in disease. Therefore, it has been classified as a Variant of Uncertain Significance.

Ambry Genetics
Classification: Uncertain significance for Hereditary cancer-predisposing syndrome. Last evaluated: 2024-06-06. Review status: criteria provided, single submitter. Criteria: Ambry Variant Classification Scheme 2023. Collection method: clinical testing. Allele origin: germline.
Comment: The p.L76P variant (also known as c.227T>C), located in coding exon 2 of the DICER1 gene, results from a T to C substitution at nucleotide position 227. The leucine at codon 76 is replaced by proline, an amino acid with similar properties. This amino acid position is highly conserved in available vertebrate species. In addition, this alteration is predicted to be deleterious by in silico analysis. Based on the available evidence, the clinical significance of this variant remains unclear.